The following is an entry in ClinVar:

ClinVar aggregate classification (germline): Uncertain significance. Review status: criteria provided, single submitter (1 of 4 stars). 2 submissions from 2 submitters: Uncertain significance (1). 1 of the submissions does not count toward it. Last evaluated 2019-10-17.

Conditions:
Mitochondrial disease. Also called: Mitochondrial disorder; Mitochondrial disorders. Identifiers: Orphanet 68380, MedGen C0751651, MeSH D028361, MONDO:0044970.
Leigh syndrome (NULS). Also called: Leigh's syndrome; Leigh Disease; Subacute necrotizing encephalopathy; Necrotizing encephalopathy infantile subacute of Leigh; LEIGH SYNDROME, NUCLEAR; Leigh's necrotizing encephalopathy. Identifiers: Orphanet 506, MedGen C2931891, MONDO:0009723, OMIM 256000.

Submissions (2):

Wong Mito Lab, Molecular and Human Genetics, Baylor College of Medicine
Classification: Uncertain significance for Leigh syndrome. Last evaluated: 2019-10-17. Review status: criteria provided, single submitter. Criteria: Modified ACMG Guidelines (Unpublished). Collection method: clinical testing. Allele origin: germline.
Comment: The NC_012920.1:m.4935A>G (YP_003024027.1:p.Thr156Ala) variant in MTND2 gene is interpretated to be a Uncertain Significance variant based on the modified ACMG guidelines (unpublished). This variant meets the following evidence codes: BP4

Service de Génétique Médicale, Centre Hospitalier Universitaire de Nice-Université Côte d'Azur
Classification: Uncertain significance for Mitochondrial disease. Last evaluated: 2019-10-01. Review status: no assertion criteria provided. Collection method: in vitro. Allele origin: not applicable. Inheritance: Mitochondrial inheritance. Not counted in ClinVar's aggregate classification.
Comment: The m.4935A>G, p.Thr156Ala, variant has been identified twice, both in a large cohort, but very little information is available (Tang et al., 2013). It was predicted to be "benign/neutral" according to Polyphen2 and SIFT scores, respectively, and was classified as a variant of unknown significance.

NC_012920.1(MT-ND2):m.4935A>G

Gene: MT-ND2 (mitochondrially encoded NADH dehydrogenase 2; plus strand).
Variant type: single nucleotide variant.
Genome position: chrM-4935-A-G.
Identifiers: ClinVar variation 692523 (VCV000692523.4), dbSNP rs1603219678, ClinGen allele CA414778155.
Genomic context (GRCh38, chrMT:4,935, plus strand): 5'-CTAGCCCCCATCTCAATCATATACCAAATCTCTCCCTCACTAAACGTAAGCCTTCTCCTC[A>G]CTCTCTCAATCTTATCCATCATAGCAGGCAGTTGAGGTGGATTAAACCAAACCCAGCTAC-3'